The following is an entry in ClinVar:

ClinVar aggregate classification (germline): Uncertain significance (1 of 4 stars; one submission).

Conditions:
Brugada syndrome 8 (BRGDA8). Identifiers: Orphanet 130, MedGen C2751083, MONDO:0013148, OMIM 613123.

Submission:

Labcorp Genetics (formerly Invitae), Labcorp
Classification: Uncertain significance for Brugada syndrome 8. Last evaluated: 2022-01-15. Review status: criteria provided, single submitter. Criteria: Invitae Variant Classification Sherloc (09022015). Collection method: clinical testing. Allele origin: germline.
Comment: A gross deletion of the genomic region encompassing the full coding sequence of the HCN4 gene has been identified. The current clinical and genetic evidence is not sufficient to establish whether loss-of-function variants in HCN4 cause disease. The boundaries of this event are unknown as they extend beyond the assayed region for this gene and therefore may encompass additional genes. This variant has not been reported in the literature in individuals affected with HCN4-related conditions. In summary, the available evidence is currently insufficient to determine the role of this variant in disease. Therefore, it has been classified as a Variant of Uncertain Significance.

NC_000015.9:g.(?_73614822)_(73660611_?)del

Gene: HCN4 (hyperpolarization activated cyclic nucleotide gated potassium channel 4; minus strand). Cytogenetic location: 15q24.1.
Variant type: Deletion.
Identifiers: ClinVar variation 2425357 (VCV002425357.2).